The following is an entry in ClinVar:

ClinVar aggregate classification (germline): Uncertain significance (1 of 4 stars; one submission).

Conditions:
Birt-Hogg-Dube syndrome. Also called: Birt Hogg Dubé syndrome. Identifiers: Orphanet 122, MedGen C0346010, MONDO:0800444.

Submission:

Labcorp Genetics (formerly Invitae), Labcorp
Classification: Uncertain significance for Birt-Hogg-Dube syndrome. Last evaluated: 2024-03-09. Review status: criteria provided, single submitter. Criteria: Invitae Variant Classification Sherloc (09022015). Collection method: clinical testing. Allele origin: germline.
Comment: This sequence change replaces proline, which is neutral and non-polar, with leucine, which is neutral and non-polar, at codon 396 of the FLCN protein (p.Pro396Leu). This variant is not present in population databases (gnomAD no frequency). This variant has not been reported in the literature in individuals affected with FLCN-related conditions. Advanced modeling of protein sequence and biophysical properties (such as structural, functional, and spatial information, amino acid conservation, physicochemical variation, residue mobility, and thermodynamic stability) performed at Invitae indicates that this missense variant is expected to disrupt FLCN protein function with a positive predictive value of 80%. In summary, the available evidence is currently insufficient to determine the role of this variant in disease. Therefore, it has been classified as a Variant of Uncertain Significance.

NM_144997.7(FLCN):c.1187C>T (p.Pro396Leu)

Gene: FLCN (folliculin; minus strand). Cytogenetic location: 17p11.2.
Variant type: single nucleotide variant.
Coding change: c.1187C>T on transcript NM_144997.7 (MANE Select); coding-DNA position 1187, C replaced by T.
Protein change: p.Pro396Leu; replaces proline 396 with leucine.
Molecular consequence: missense variant.
Genome position (GRCh38, 1-based): chr17:17,216,493, G>A on the plus strand (C>T on the coding strand, the complement: FLCN is on the minus strand). VCF-style: chr17-17216493-G-A. GRCh37 (hg19) VCF-style: chr17-17119807-G-A.
Other names: c.1241C>T, p.Pro414Leu (NM_001353229.2); c.1187C>T, p.Pro396Leu (NM_001353230.2, NM_001353231.2); short protein forms P396L, P414L.
Identifiers: ClinVar variation 3645203 (VCV003645203.2).
Genomic context (GRCh38, chr17:17,216,493, plus strand): 5'-TTGCACCGATAGGCCTCCTCGTACTGGCTGCTGTATGGGATGATGCGGACGCAGCCCACG[G>A]GAAGCATGGTCTGAGGAGGACAGCAGGACTCAGACCAAGGACACGAGGAAGCCCTCAGCC-3'
Protein context (NP_659434.2, residues 386-406): SAFEVLRTML[Pro396Leu]VGCVRIIPYS